The following is an entry in ClinVar:

ClinVar aggregate classification (germline): Uncertain significance (1 of 4 stars; one submission).

Conditions:
Hereditary cancer-predisposing syndrome. Also called: Neoplastic Syndromes, Hereditary; Tumor predisposition; Hereditary Cancer Syndrome; Hereditary neoplastic syndrome. Identifiers: Orphanet 140162, MedGen C0027672, MeSH D009386, MONDO:0015356.

Allele frequency attached by ClinVar (database versions not stated): gnomAD exomes below 0.00001; TOPMed below 0.00001.
gnomAD v4.1: 4 of 1,613,536 alleles (0.00025%); highest among the groups gnomAD compares: African/African-American, 0.0013%; no homozygotes.

Submission:

Ambry Genetics
Classification: Uncertain significance for Hereditary cancer-predisposing syndrome. Last evaluated: 2024-04-27. Review status: criteria provided, single submitter. Criteria: Ambry Variant Classification Scheme 2023. Collection method: clinical testing. Allele origin: germline.
Comment: The p.F134L variant (also known as c.400T>C), located in coding exon 4 of the FANCC gene, results from a T to C substitution at nucleotide position 400. The phenylalanine at codon 134 is replaced by leucine, an amino acid with highly similar properties. This amino acid position is conserved. In addition, the in silico prediction for this alteration is inconclusive. Since supporting evidence is limited at this time, the clinical significance of this alteration remains unclear.

NM_000136.3(FANCC):c.400T>C (p.Phe134Leu)

Gene: FANCC (FA complementation group C; minus strand). Cytogenetic location: 9q22.32.
Variant type: single nucleotide variant.
Coding change: c.400T>C on transcript NM_000136.3 (MANE Select); coding-DNA position 400, T replaced by C.
Protein change: p.Phe134Leu; replaces phenylalanine 134 with leucine.
Molecular consequence: missense variant.
Genome position (GRCh38, 1-based): chr9:95,172,093, A>G on the plus strand (T>C on the coding strand, the complement: FANCC is on the minus strand). VCF-style: chr9-95172093-A-G. GRCh37 (hg19) VCF-style: chr9-97934375-A-G.
Other names: c.400T>C, p.Phe134Leu (NM_001243743.2, NM_001243744.2); short protein forms F134L.
Identifiers: ClinVar variation 1737014 (VCV001737014.3), dbSNP rs1161860307, ClinGen allele CA374338812.